The following is an entry in ClinVar:

ClinVar aggregate classification (germline): Conflicting classifications of pathogenicity. Review status: criteria provided, conflicting classifications (1 of 4 stars). 4 submissions from 4 submitters: Uncertain significance (3); Likely benign (1). Last evaluated 2026-03-11.

Conditions:
TTN-related disorder. Also called: TTN-related disorders; TTN-related condition; TTN-related disease.
Autosomal recessive limb-girdle muscular dystrophy type 2J (LGMDR10). Also called: Limb-girdle muscular dystrophy, type 2J; MUSCULAR DYSTROPHY, LIMB-GIRDLE, AUTOSOMAL RECESSIVE 10. Identifiers: Orphanet 140922, MedGen C1837342, MONDO:0012127, OMIM 608807.
Dilated cardiomyopathy 1G (CMD1G). Identifiers: Orphanet 154, MedGen C1858763, MONDO:0011400, OMIM 604145.

Allele frequency attached by ClinVar (database versions not stated): gnomAD exomes 0.00002 and 0.00005; ExAC 0.00003; TOPMed 0.00003; gnomAD 0.00006; ESP Exome Variant Server 0.00008.
gnomAD v4.1: 43 of 1,613,936 alleles (0.0027%); highest among the groups gnomAD compares: Admixed American, 0.01%; no homozygotes.

Submissions (4):

PreventionGenetics, part of Exact Sciences
Classification: Uncertain significance for TTN-related condition. Last evaluated: 2026-03-11. Review status: criteria provided, single submitter. Criteria: ACMG Guidelines, 2015. Collection method: clinical testing. Allele origin: germline.
Comment: The TTN c.919G>A variant is predicted to result in the amino acid substitution p.Val307Met. To our knowledge, this variant has not been reported in the literature. This variant is reported in 0.015% of alleles in individuals of East Asian descent in gnomAD. At this time, the clinical significance of this variant is uncertain due to the absence of conclusive functional and genetic evidence.

Revvity Omics, Revvity
Classification: Uncertain significance. Last evaluated: 2023-10-04. Review status: criteria provided, single submitter. Criteria: ACMG Guidelines, 2015. Collection method: clinical testing. Allele origin: germline.

GeneDx
Classification: Likely benign. Last evaluated: 2021-01-21. Review status: criteria provided, single submitter. Criteria: GeneDx Variant Classification Process June 2021. Collection method: clinical testing. Allele origin: germline. Affected: yes.

Labcorp Genetics (formerly Invitae), Labcorp
Classification: Uncertain significance for Dilated cardiomyopathy 1G; Autosomal recessive limb-girdle muscular dystrophy type 2J. Last evaluated: 2016-09-15. Review status: criteria provided, single submitter. Criteria: Invitae Variant Classification Sherloc (09022015). Collection method: clinical testing. Allele origin: germline.

NM_001267550.2(TTN):c.919G>A (p.Val307Met)

Gene: TTN (titin; minus strand). Cytogenetic location: 2q31.2.
Variant type: single nucleotide variant.
Coding change: c.919G>A on transcript NM_001267550.2 (MANE Select); coding-DNA position 919, G replaced by A.
Protein change: p.Val307Met; replaces valine 307 with methionine.
Molecular consequence: missense variant.
Genome position (GRCh38, 1-based): chr2:178,795,248, C>T on the plus strand (G>A on the coding strand, the complement: TTN is on the minus strand). VCF-style: chr2-178795248-C-T. GRCh37 (hg19) VCF-style: chr2-179659975-C-T.
Other names: c.919G>A, p.Val307Met (NM_001256850.1, NM_003319.4, NM_133378.4 and 3 more transcripts); short protein forms V307M.
Identifiers: ClinVar variation 405122 (VCV000405122.9), dbSNP rs371056974, ClinGen allele CA2006172.
Genomic context (GRCh38, chr2:178,795,248, plus strand): 5'-TGAGCAATGGAGACCTAACAGACCTGATGGGGGATGTGGAGATTCTTGCTGCTGGAGACA[C>T]GGACCTGAAAACCAAAAGGCAGAGGTCAAGAATGTCAAAGCAAGGAGGGGTAACTGGATG-3'
Protein context (NP_001254479.2, residues 297-317): RAPTPSPVRS[Val307Met]SPAARISTSP